The following is an entry in ClinVar:

NM_001099922.3(ALG13):c.419C>T (p.Ala140Val)

Gene: ALG13 (ALG13 UDP-N-acetylglucosaminyltransferase subunit; plus strand). Cytogenetic location: Xq23.
Variant type: single nucleotide variant.
Coding change: c.419C>T on transcript NM_001099922.3 (MANE Select); coding-DNA position 419, C replaced by T.
Protein change: p.Ala140Val; replaces alanine 140 with valine.
Molecular consequence: missense variant. On other transcripts: non-coding transcript variant (1).
Genome position (GRCh38, 1-based): chrX:111,708,062, C>T. VCF-style: chrX-111708062-C-T. GRCh37 (hg19) VCF-style: chrX-110951290-C-T.
Other names: c.107C>T, p.Ala36Val (NM_001257230.2, NM_001257234.2, NM_001257237.2 and 1 more transcripts); c.185C>T, p.Ala62Val (NM_001257231.2); c.419C>T, p.Ala140Val (NM_001324292.2); short protein forms A140V, A62V, A36V.
Identifiers: ClinVar variation 388212 (VCV000388212.6), dbSNP rs373025706, ClinGen allele CA10493533.

ClinVar aggregate classification (germline): Conflicting classifications of pathogenicity. Review status: criteria provided, conflicting classifications (1 of 4 stars). 3 submissions from 3 submitters: Uncertain significance (1); Benign (1); Likely benign (1). Last evaluated 2026-07-01.

Conditions:
Developmental and epileptic encephalopathy, 36 (DEE36). Also called: Epileptic encephalopathy, early infantile, 36; ALG13-CDG; Congenital disorder of glycosylation, type Is. Identifiers: Orphanet 324422, MedGen C4317295, MONDO:0010472, OMIM 300884.

Allele frequency attached by ClinVar (database versions not stated): gnomAD 0.00002; gnomAD exomes 0.00002; TOPMed 0.00002; ExAC 0.00003; ESP Exome Variant Server 0.00012.
gnomAD v4.1: 25 of 1,208,584 alleles (0.0021%); highest among the groups gnomAD compares: Non-Finnish European, 0.0028%; no homozygotes.

Submissions (3):

CeGaT Center for Human Genetics Tuebingen
Classification: Likely benign. Last evaluated: 2026-07-01. Review status: criteria provided, single submitter. Criteria: CeGaT Center For Human Genetics Tuebingen Variant Classification Criteria Version 2. Collection method: clinical testing. Allele origin: germline. Affected: yes. Observed: 1 variant allele.
Comment: ALG13: BP4, BS2

Labcorp Genetics (formerly Invitae), Labcorp
Classification: Benign for Developmental and epileptic encephalopathy, 36. Last evaluated: 2024-01-17. Review status: criteria provided, single submitter. Criteria: Invitae Variant Classification Sherloc (09022015). Collection method: clinical testing. Allele origin: germline.

GeneDx
Classification: Uncertain significance. Last evaluated: 2016-07-27. Review status: criteria provided, single submitter. Criteria: GeneDx Variant Classification (06012015). Collection method: clinical testing. Allele origin: germline. Affected: yes.
Comment: A variant of uncertain significance has been identified in the ALG13 gene. The A140V variant has not been published as a pathogenic variant, nor has it been reported as a benign variant to our knowledge. It was not observed with any significant frequency in approximately 5,200 individuals of European and African American ancestry in the NHLBI Exome Sequencing Project. The A140V variant is a conservative amino acid substitution, which is not likely to impact secondary protein structure as these residues share similar properties. This substitution occurs at a position that is not conserved. However, in silico analysis is inconsistent in its predictions as to whether or not the variant is damaging to the protein structure/function. Therefore, based on the currently available information, it is unclear whether this variant is a pathogenic variant or a rare benign variant.